The following is an entry in ClinVar:

ClinVar aggregate classification (germline): Uncertain significance (1 of 4 stars; one submission).

Conditions:
Developmental and epileptic encephalopathy, 37 (DEE37). Also called: Epileptic encephalopathy, early infantile, 37. Identifiers: MedGen C4310770, MONDO:0014859, OMIM 616981.

Allele frequency attached by ClinVar (database versions not stated): gnomAD exomes below 0.00001.

Submission:

Labcorp Genetics (formerly Invitae), Labcorp
Classification: Uncertain significance for Developmental and epileptic encephalopathy, 37. Last evaluated: 2023-07-10. Review status: criteria provided, single submitter. Criteria: Invitae Variant Classification Sherloc (09022015). Collection method: clinical testing. Allele origin: germline.
Comment: In summary, the available evidence is currently insufficient to determine the role of this variant in disease. Therefore, it has been classified as a Variant of Uncertain Significance. An algorithm developed to predict the effect of missense changes on protein structure and function (PolyPhen-2) suggests that this variant is likely to be disruptive. ClinVar contains an entry for this variant (Variation ID: 2007643). This variant has not been reported in the literature in individuals affected with FRRS1L-related conditions. This variant is present in population databases (no rsID available, gnomAD 0.0009%). This sequence change replaces valine, which is neutral and non-polar, with isoleucine, which is neutral and non-polar, at codon 210 of the FRRS1L protein (p.Val210Ile).

NM_014334.4(FRRS1L):c.475G>A (p.Val159Ile)

Gene: FRRS1L (ferric chelate reductase 1 like; minus strand). Cytogenetic location: 9q31.3.
Variant type: single nucleotide variant.
Coding change: c.475G>A on transcript NM_014334.4 (MANE Select); coding-DNA position 475, G replaced by A.
Protein change: p.Val159Ile; replaces valine 159 with isoleucine.
Molecular consequence: missense variant.
Genome position (GRCh38, 1-based): chr9:109,141,577, C>T on the plus strand (G>A on the coding strand, the complement: FRRS1L is on the minus strand). VCF-style: chr9-109141577-C-T. GRCh37 (hg19) VCF-style: chr9-111903857-C-T.
Other names: short protein forms V159I.
Identifiers: ClinVar variation 2007643 (VCV002007643.4), dbSNP rs1238904551, ClinGen allele CA374425358.